The following is an entry in ClinVar:

ClinVar aggregate classification (germline): Benign/Likely benign. Review status: criteria provided, multiple submitters, no conflicts (2 of 4 stars). 3 submissions from 3 submitters: Benign (1); Likely benign (1). 1 of the submissions does not count toward it. Last evaluated 2025-07-31.

Conditions:
TUBB4B-related disorder. Also called: TUBB4B-related condition.

Allele frequency attached by ClinVar (database versions not stated): ESP Exome Variant Server 0.00015; ExAC 0.00027; gnomAD 0.00027; TOPMed 0.00036; 1000 Genomes Project 30x 0.00047; 1000 Genomes Project 0.00060.
gnomAD v4.1: 283 of 1,613,924 alleles (0.018%); highest among the groups gnomAD compares: East Asian, 0.2%; no homozygotes.

Submissions (3):

Labcorp Genetics (formerly Invitae), Labcorp
Classification: Benign. Last evaluated: 2025-07-31. Review status: criteria provided, single submitter. Criteria: Invitae Variant Classification Sherloc (09022015). Collection method: clinical testing. Allele origin: germline.

Blueprint Genetics
Classification: Likely benign. Last evaluated: 2024-10-23. Review status: criteria provided, single submitter. Criteria: ACMG Guidelines, 2015. Collection method: clinical testing. Allele origin: germline.

PreventionGenetics, part of Exact Sciences
Classification: Likely benign for TUBB4B-related condition. Last evaluated: 2024-01-24. Review status: no assertion criteria provided. Collection method: clinical testing. Allele origin: germline. Not counted in ClinVar's aggregate classification.
Comment: This variant is classified as likely benign based on ACMG/AMP sequence variant interpretation guidelines (Richards et al. 2015 PMID: 25741868, with internal and published modifications).

NM_006088.6(TUBB4B):c.561C>T (p.Leu187=)

Gene: TUBB4B (tubulin beta 4B class IVb; plus strand). Cytogenetic location: 9q34.3.
Variant type: single nucleotide variant.
Coding change: c.561C>T on transcript NM_006088.6 (MANE Select); coding-DNA position 561, C replaced by T.
Protein change: p.Leu187=; no amino-acid change (leucine 187 retained).
Molecular consequence: synonymous variant.
Genome position (GRCh38, 1-based): chr9:137,242,779, C>T. VCF-style: chr9-137242779-C-T. GRCh37 (hg19) VCF-style: chr9-140137231-C-T.
Other names: c.561C>T (NM_006088.5).
Identifiers: ClinVar variation 2056935 (VCV002056935.7), dbSNP rs141571348, ClinGen allele CA5365356.